The following is an entry in ClinVar:

NC_000023.10:g.(?_32379145)_(32867957_?)del

Gene: DMD (dystrophin; minus strand). Cytogenetic location: Xp21.1.
Variant type: Deletion.
Identifiers: ClinVar variation 3247884 (VCV003247884.1).

ClinVar aggregate classification (germline): Pathogenic (1 of 4 stars; one submission).

Conditions:
Duchenne muscular dystrophy (DMD). Also called: MUSCULAR DYSTROPHY, PSEUDOHYPERTROPHIC PROGRESSIVE, DUCHENNE TYPE; Duchenne Muscular Dystrophy (DMD). Identifiers: Orphanet 98896, MedGen C0013264, MONDO:0010679, OMIM 310200.

Submission:

Labcorp Genetics (formerly Invitae), Labcorp
Classification: Pathogenic for Duchenne muscular dystrophy. Last evaluated: 2023-11-24. Review status: criteria provided, single submitter. Criteria: Invitae Variant Classification Sherloc (09022015). Collection method: clinical testing. Allele origin: unknown.
Comment: This variant is a gross deletion of the genomic region encompassing exon(s) 3-37 of the DMD gene. This variant would be expected to be in-frame, preserving the integrity of the reading frame. A similar copy number variant has been observed in individual(s) with dystrophinopathy (PMID: 19937601). This variant disrupts a region of the DMD protein in which other variant(s) (Deletion (Exon 30)) have been determined to be pathogenic (PMID: 16770791, 17259292, 19084397). This suggests that this is a clinically significant region of the protein, and that variants that disrupt it are likely to be disease-causing. For these reasons, this variant has been classified as Pathogenic.

Literature cited by the submitters: PubMed 19937601; PubMed 16770791; PubMed 17259292; PubMed 19084397.